The following is an entry in ClinVar:

ClinVar aggregate classification (germline): Conflicting classifications of pathogenicity. Review status: criteria provided, conflicting classifications (1 of 4 stars). 3 submissions from 3 submitters: Likely pathogenic (2); Likely benign (1). Last evaluated 2024-06-17.

Conditions:
Juberg-Hayward syndrome (JHS). Also called: OROCRANIODIGITAL SYNDROME; Cleft lip/palate with abnormal thumbs and microcephaly. Identifiers: Orphanet 2319, MedGen C0796099, MONDO:0008992, OMIM 216100.
Roberts-SC phocomelia syndrome (RBS). Also called: LONG BONE DEFICIENCIES ASSOCIATED WITH CLEFT LIP-PALATE; Hypomelia hypotrichosis facial hemangioma syndrome; Pseudothalidomide syndrome; Appelt-Gerken-Lenz syndrome; ESCO2 Spectrum Disorder. Identifiers: Orphanet 3103, MedGen C0392475, MONDO:0100253, OMIM 268300.

gnomAD v4.1: 1 of 1,599,346 alleles (0.000063%); highest among the groups gnomAD compares: Non-Finnish European, 0.000085%; no homozygotes.

Submissions (3):

Fulgent Genetics
Classification: Likely pathogenic for Juberg-Hayward syndrome; Roberts-SC phocomelia syndrome. Last evaluated: 2024-06-17. Review status: criteria provided, single submitter. Criteria: ACMG Guidelines, 2015. Collection method: clinical testing. Allele origin: germline.

Labcorp Genetics (formerly Invitae), Labcorp
Classification: Likely pathogenic. Last evaluated: 2021-11-07. Review status: criteria provided, single submitter. Criteria: Invitae Variant Classification Sherloc (09022015). Collection method: clinical testing. Allele origin: germline.
Comment: ClinVar contains an entry for this variant (Variation ID: 1032541). This sequence change affects a donor splice site in intron 3 of the ESCO2 gene. It is expected to disrupt RNA splicing. Variants that disrupt the donor or acceptor splice site typically lead to a loss of protein function (PMID: 16199547), and loss-of-function variants in ESCO2 are known to be pathogenic (PMID: 15821733, 16380922). This variant is not present in population databases (gnomAD no frequency). This variant has not been reported in the literature in individuals affected with ESCO2-related conditions. Algorithms developed to predict the effect of sequence changes on RNA splicing suggest that this variant may disrupt the consensus splice site. In summary, the currently available evidence indicates that the variant is pathogenic, but additional data are needed to prove that conclusively. Therefore, this variant has been classified as Likely Pathogenic.

Genome-Nilou Lab
Classification: Likely benign for Roberts-SC phocomelia syndrome. Last evaluated: 2021-06-20. Review status: criteria provided, single submitter. Criteria: ACMG Guidelines, 2015. Collection method: clinical testing. Allele origin: germline. Inheritance: Autosomal recessive inheritance. Affected: no.

Literature cited by the submitters: PubMed 16199547 (cited by Labcorp Genetics (formerly Invitae), Labcorp); PubMed 15821733 (cited by Labcorp Genetics (formerly Invitae), Labcorp); PubMed 16380922 (cited by Labcorp Genetics (formerly Invitae), Labcorp).

NM_001017420.3(ESCO2):c.861+1G>A

Gene: ESCO2 (establishment of sister chromatid cohesion N-acetyltransferase 2; plus strand). Cytogenetic location: 8p21.1.
Variant type: single nucleotide variant.
Coding change: c.861+1G>A on transcript NM_001017420.3 (MANE Select); the canonical splice donor site of the intron after coding-DNA position 861, G replaced by A.
Molecular consequence: splice donor variant.
Genome position (GRCh38, 1-based): chr8:27,777,170, G>A. VCF-style: chr8-27777170-G-A. GRCh37 (hg19) VCF-style: chr8-27634687-G-A.
Identifiers: ClinVar variation 1032541 (VCV001032541.11), dbSNP rs1804814100, ClinGen allele CA370820049.